The following is an entry in ClinVar:

ClinVar aggregate classification (germline): Likely benign (1 of 4 stars; one submission).

Allele frequency attached by ClinVar (database versions not stated): TOPMed below 0.00001; gnomAD 0.00001; gnomAD exomes 0.00002.

Submission:

CeGaT Center for Human Genetics Tuebingen
Classification: Likely benign. Last evaluated: 2023-01-01. Review status: criteria provided, single submitter. Criteria: CeGaT Center For Human Genetics Tuebingen Variant Classification Criteria Version 2. Collection method: clinical testing. Allele origin: germline. Affected: yes. Observed: 1 variant allele.
Comment: POLR3GL: BP4, BP7

NM_032305.3(POLR3GL):c.282T>C (p.Tyr94=)

Gene: POLR3GL (RNA polymerase III subunit GL; plus strand). Cytogenetic location: 1q21.1.
Variant type: single nucleotide variant.
Coding change: c.282T>C on transcript NM_032305.3 (MANE Select); coding-DNA position 282, T replaced by C.
Protein change: p.Tyr94=; no amino-acid change (tyrosine 94 retained).
Molecular consequence: synonymous variant. On other transcripts: intron variant (1).
Genome position (GRCh38, 1-based): chr1:145,977,109, T>C. VCF-style: chr1-145977109-T-C. GRCh37 (hg19) VCF-style: chr1-145457978-A-G.
Other names: c.257-374T>C (NM_001330685.2).
Identifiers: ClinVar variation 2639109 (VCV002639109.24), dbSNP rs1255366149, ClinGen allele CA420242453.